The following is an entry in ClinVar:

ClinVar aggregate classification (germline): Uncertain significance. Review status: criteria provided, multiple submitters, no conflicts (2 of 4 stars). 4 submissions from 4 submitters: Uncertain significance (3). 1 of the submissions does not count toward it. Last evaluated 2025-09-03.

Conditions:
Inborn genetic diseases. Identifiers: MedGen C0950123, MeSH D030342.
Neuropathy, hereditary sensory and autonomic, type 2A (HSAN2A). Also called: WNK1-Related HSAN2 (HSAN2A); MORVAN DISEASE; NEUROPATHY, CONGENITAL SENSORY; NEUROPATHY, HEREDITARY SENSORY RADICULAR, AUTOSOMAL RECESSIVE; NEUROPATHY, HEREDITARY SENSORY, TYPE IIA; NEUROPATHY, PROGRESSIVE SENSORY, OF CHILDREN. Identifiers: Orphanet 970, MedGen C2752089, MONDO:0024309, OMIM 201300.
Pseudohypoaldosteronism type 2C (PHA2C). Also called: Pseudohypoaldosteronism Type IIC. Identifiers: Orphanet 757, Orphanet 88940, MedGen C1840391, MONDO:0013778, OMIM 614492.
WNK1-related disorder. Also called: WNK1-related condition.

Allele frequency attached by ClinVar (database versions not stated): gnomAD exomes below 0.00001; gnomAD 0.00001; TOPMed 0.00003.
gnomAD v4.1: 5 of 1,614,104 alleles (0.00031%); highest among the groups gnomAD compares: Admixed American, 0.0067%; no homozygotes.

Submissions (4):

Labcorp Genetics (formerly Invitae), Labcorp
Classification: Uncertain significance for Neuropathy, hereditary sensory and autonomic, type 2A; Pseudohypoaldosteronism type 2C. Last evaluated: 2025-09-03. Review status: criteria provided, single submitter. Criteria: Invitae Variant Classification Sherloc (09022015). Collection method: clinical testing. Allele origin: germline.
Comment: This sequence change replaces aspartic acid, which is acidic and polar, with glycine, which is neutral and non-polar, at codon 2131 of the WNK1 protein (p.Asp2131Gly). This variant is present in population databases (no rsID available, gnomAD no frequency). This variant has not been reported in the literature in individuals affected with WNK1-related conditions. ClinVar contains an entry for this variant (Variation ID: 1364469). Invitae Evidence Modeling of protein sequence and biophysical properties (such as structural, functional, and spatial information, amino acid conservation, physicochemical variation, residue mobility, and thermodynamic stability) indicates that this missense variant is not expected to disrupt WNK1 protein function with a negative predictive value of 95%. In summary, the available evidence is currently insufficient to determine the role of this variant in disease. Therefore, it has been classified as a Variant of Uncertain Significance.

Fulgent Genetics
Classification: Uncertain significance for Neuropathy, hereditary sensory and autonomic, type 2A; Pseudohypoaldosteronism type 2C. Last evaluated: 2023-12-28. Review status: criteria provided, single submitter. Criteria: ACMG Guidelines, 2015. Collection method: clinical testing. Allele origin: germline.

Ambry Genetics
Classification: Uncertain significance for Inborn genetic diseases. Last evaluated: 2022-06-29. Review status: criteria provided, single submitter. Criteria: Ambry Variant Classification Scheme 2023. Collection method: clinical testing. Allele origin: germline.
Comment: The p.D2131G variant (also known as c.6392A>G), located in coding exon 24 of the WNK1 gene, results from an A to G substitution at nucleotide position 6392. The aspartic acid at codon 2131 is replaced by glycine, an amino acid with similar properties. This amino acid position is not well conserved in available vertebrate species. In addition, this alteration is predicted to be tolerated by in silico analysis. Since supporting evidence is limited at this time, the clinical significance of this alteration remains unclear.

PreventionGenetics, part of Exact Sciences
Classification: Uncertain significance for WNK1-related condition. Last evaluated: 2024-09-25. Review status: no assertion criteria provided. Collection method: clinical testing. Allele origin: germline. Not counted in ClinVar's aggregate classification.
Comment: The WNK1 c.5636A>G variant is predicted to result in the amino acid substitution p.Asp1879Gly. To our knowledge, this variant has not been reported in the literature. This variant is present in 1 allele out 251448 alleles in gnomAD. At this time, the clinical significance of this variant is uncertain due to the absence of conclusive functional and genetic evidence.

NM_018979.4(WNK1):c.5636A>G (p.Asp1879Gly)

Gene: WNK1 (WNK lysine deficient protein kinase 1; plus strand). Cytogenetic location: 12p13.33.
Variant type: single nucleotide variant.
Coding change: c.5636A>G on transcript NM_018979.4 (MANE Select); coding-DNA position 5636, A replaced by G.
Protein change: p.Asp1879Gly; replaces aspartic acid 1879 with glycine.
Molecular consequence: missense variant.
Genome position (GRCh38, 1-based): chr12:896,123, A>G. VCF-style: chr12-896123-A-G. GRCh37 (hg19) VCF-style: chr12-1005289-A-G.
Other names: c.6416A>G, p.Asp2139Gly (NM_001184985.2); c.4892A>G, p.Asp1631Gly (NM_014823.3); c.6392A>G, p.Asp2131Gly (NM_213655.5); c.5636A>G (NM_018979.3); short protein forms D1879G, D1631G, D2131G, D2139G.
Identifiers: ClinVar variation 1364469 (VCV001364469.12), dbSNP rs968933608, ClinGen allele CA231486421.
Genomic context (GRCh38, chr12:896,123, plus strand): 5'-TTTATCAGGTTTCTGTTGCAGCAGACGGTGCCCAGAAAGAGGGTAAAAATAAGTCAGAAG[A>G]TGCAAAGTCTGTTCATTTTGAATCCAGCACCTCAGAGTCCTCAGTGCTATCAAGTAGTAG-3'
Protein context (NP_061852.3, residues 1869-1889): AQKEGKNKSE[Asp1879Gly]AKSVHFESST